The following is an entry in ClinVar:

ClinVar aggregate classification (germline): Uncertain significance. Review status: criteria provided, multiple submitters, no conflicts (2 of 4 stars). 2 submissions from 2 submitters: Uncertain significance (2). Last evaluated 2025-05-28.

Conditions:
Inborn genetic diseases. Identifiers: MedGen C0950123, MeSH D030342.
Immunodeficiency 104. Also called: Severe combined immunodeficiency, autosomal recessive, T cell-negative, B cell-positive, NK cell-positive; SCID, AUTOSOMAL RECESSIVE, T CELL-NEGATIVE, B CELL-POSITIVE, NK CELL-POSITIVE; IMMUNODEFICIENCY 104, SEVERE COMBINED; Severe Combined Immune Deficiency, Autosomal Recessive, TCell -Negative, B Cell-Positive, NK Cell-Positive, IL7R-Related. Identifiers: MedGen C5676890, MONDO:0012163, OMIM 608971.

Allele frequency attached by ClinVar (database versions not stated): TOPMed below 0.00001; gnomAD 0.00001.
gnomAD v4.1: 7 of 1,610,450 alleles (0.00043%); highest among the groups gnomAD compares: East Asian, 0.016%; no homozygotes.

Submissions (2):

Labcorp Genetics (formerly Invitae), Labcorp
Classification: Uncertain significance for Immunodeficiency 104. Last evaluated: 2025-05-28. Review status: criteria provided, single submitter. Criteria: Invitae Variant Classification Sherloc (09022015). Collection method: clinical testing. Allele origin: germline.
Comment: This sequence change replaces serine, which is neutral and polar, with proline, which is neutral and non-polar, at codon 705 of the PTPRC protein (p.Ser705Pro). This variant is present in population databases (rs771941224, gnomAD 0.04%). This variant has not been reported in the literature in individuals affected with PTPRC-related conditions. ClinVar contains an entry for this variant (Variation ID: 1500591). An algorithm developed to predict the effect of missense changes on protein structure and function (PolyPhen-2) suggests that this variant is likely to be disruptive. In summary, the available evidence is currently insufficient to determine the role of this variant in disease. Therefore, it has been classified as a Variant of Uncertain Significance.

Ambry Genetics
Classification: Uncertain significance for Inborn genetic diseases. Last evaluated: 2023-10-20. Review status: criteria provided, single submitter. Criteria: Ambry Variant Classification Scheme 2023. Collection method: clinical testing. Allele origin: germline.

NM_002838.5(PTPRC):c.2113T>C (p.Ser705Pro)

Gene: PTPRC (protein tyrosine phosphatase receptor type C; plus strand). Cytogenetic location: 1q32.1.
Variant type: single nucleotide variant.
Coding change: c.2113T>C on transcript NM_002838.5 (MANE Select); coding-DNA position 2113, T replaced by C.
Protein change: p.Ser705Pro; replaces serine 705 with proline.
Molecular consequence: missense variant.
Genome position (GRCh38, 1-based): chr1:198,732,527, T>C. VCF-style: chr1-198732527-T-C. GRCh37 (hg19) VCF-style: chr1-198701656-T-C.
Other names: c.1630T>C, p.Ser544Pro (NM_080921.4); c.2107T>C (NM_002838.3); short protein forms S544P, S705P.
Identifiers: ClinVar variation 1500591 (VCV001500591.8), dbSNP rs771941224, ClinGen allele CA1314998.